The following is an entry in ClinVar:

NM_013275.6(ANKRD11):c.2611G>A (p.Asp871Asn)

Gene: ANKRD11 (ankyrin repeat domain 11; minus strand). Cytogenetic location: 16q24.3.
Variant type: single nucleotide variant.
Coding change: c.2611G>A on transcript NM_013275.6 (MANE Select); coding-DNA position 2611, G replaced by A.
Protein change: p.Asp871Asn; replaces aspartic acid 871 with asparagine.
Molecular consequence: missense variant.
Genome position (GRCh38, 1-based): chr16:89,283,931, C>T on the plus strand (G>A on the coding strand, the complement: ANKRD11 is on the minus strand). VCF-style: chr16-89283931-C-T. GRCh37 (hg19) VCF-style: chr16-89350339-C-T.
Other names: c.2611G>A, p.Asp871Asn (NM_001256182.2, NM_001256183.2); short protein forms D871N.
Identifiers: ClinVar variation 2714933 (VCV002714933.3), dbSNP rs201607978, ClinGen allele CA8242551.

ClinVar aggregate classification (germline): Uncertain significance (1 of 4 stars; one submission).

Conditions:
KBG syndrome (KBGS). Also called: ANKRD11-Related KBG Syndrome. Identifiers: Orphanet 2332, MedGen C0220687, MONDO:0007846, OMIM 148050.

Allele frequency attached by ClinVar (database versions not stated): gnomAD exomes below 0.00001; ExAC 0.00001; TOPMed 0.00002; gnomAD 0.00003.
gnomAD v4.1: 10 of 1,614,028 alleles (0.00062%); highest among the groups gnomAD compares: South Asian, 0.0033%; no homozygotes.

Submission:

Labcorp Genetics (formerly Invitae), Labcorp
Classification: Uncertain significance for KBG syndrome. Last evaluated: 2023-01-05. Review status: criteria provided, single submitter. Criteria: Invitae Variant Classification Sherloc (09022015). Collection method: clinical testing. Allele origin: germline.
Comment: This sequence change replaces aspartic acid, which is acidic and polar, with asparagine, which is neutral and polar, at codon 871 of the ANKRD11 protein (p.Asp871Asn). In summary, the available evidence is currently insufficient to determine the role of this variant in disease. Therefore, it has been classified as a Variant of Uncertain Significance. Advanced modeling of protein sequence and biophysical properties (such as structural, functional, and spatial information, amino acid conservation, physicochemical variation, residue mobility, and thermodynamic stability) performed at Invitae indicates that this missense variant is not expected to disrupt ANKRD11 protein function. This variant has not been reported in the literature in individuals affected with ANKRD11-related conditions. This variant is present in population databases (rs201607978, gnomAD 0.006%).